The following is an entry in ClinVar:

ClinVar aggregate classification (germline): Uncertain significance (1 of 4 stars; one submission).

Submission:

Labcorp Genetics (formerly Invitae), Labcorp
Classification: Uncertain significance. Last evaluated: 2025-05-12. Review status: criteria provided, single submitter. Criteria: Invitae Variant Classification Sherloc (09022015). Collection method: clinical testing. Allele origin: germline.
Comment: This variant occurs in a non-coding region of the ANKRD26 gene. It does not change the encoded amino acid sequence of the ANKRD26 protein. This variant is not present in population databases (gnomAD no frequency). This variant has not been reported in the literature in individuals affected with ANKRD26-related conditions. ClinVar contains an entry for this variant (Variation ID: 2790976). In summary, the available evidence is currently insufficient to determine the role of this variant in disease. Therefore, it has been classified as a Variant of Uncertain Significance.

NM_014915.3(ANKRD26):c.-73T>C

Gene: ANKRD26 (ankyrin repeat domain 26; minus strand). Cytogenetic location: 10p12.1.
Variant type: single nucleotide variant.
Coding change: c.-73T>C on transcript NM_014915.3 (MANE Select); 73 bases upstream of the start codon, T replaced by C.
Molecular consequence: 5 prime UTR variant.
Genome position (GRCh38, 1-based): chr10:27,100,399, A>G on the plus strand (T>C on the coding strand, the complement: ANKRD26 is on the minus strand). VCF-style: chr10-27100399-A-G. GRCh37 (hg19) VCF-style: chr10-27389328-A-G.
Other names: c.-73T>C (NM_001256053.2).
Identifiers: ClinVar variation 2790976 (VCV002790976.3), dbSNP rs2135799942, ClinGen allele CA2721503442.